The following is an entry in ClinVar:

ClinVar aggregate classification (germline): Uncertain significance. Review status: criteria provided, multiple submitters, no conflicts (2 of 4 stars). 4 submissions from 4 submitters: Uncertain significance (4). Last evaluated 2024-03-06.

Conditions:
Catecholaminergic polymorphic ventricular tachycardia (CVPT). Also called: Catecholamine-induced polymorphic ventricular tachycardia. Identifiers: Orphanet 3286, MedGen C5574922, MONDO:0017990.
Cardiomyopathy (CMYO). Also called: Cardiomyopathies. Identifiers: Orphanet 167848, MedGen C0878544, MONDO:0004994, HP:0001638. Inheritance: Various modes of inheritance.
Catecholaminergic polymorphic ventricular tachycardia 1. Also called: VENTRICULAR TACHYCARDIA, CATECHOLAMINERGIC POLYMORPHIC, 1, WITH OR WITHOUT ATRIAL DYSFUNCTION AND/OR DILATED CARDIOMYOPATHY; RYR2-Related Catecholaminergic Polymorphic Ventricular Tachycardia; VENTRICULAR TACHYCARDIA, STRESS-INDUCED POLYMORPHIC 1. Identifiers: Orphanet 3286, MedGen C1631597, MONDO:0011484, OMIM 604772.
Cardiovascular phenotype. Identifiers: MedGen CN230736.

gnomAD v4.1: 2 of 1,613,542 alleles (0.00012%); highest among the groups gnomAD compares: Non-Finnish European, 0.00017%; no homozygotes.

Submissions (4):

Color Diagnostics, LLC DBA Color Health
Classification: Uncertain significance for Cardiomyopathy. Last evaluated: 2024-03-06. Review status: criteria provided, single submitter. Criteria: ACMG Guidelines, 2015. Collection method: clinical testing. Allele origin: germline.
Comment: This missense variant replaces proline with arginine at codon 466 of the RYR2 protein. Computational prediction suggests that this variant may have deleterious impact on protein structure and function (internally defined REVEL score threshold >= 0.7, PMID: 27666373). To our knowledge, functional studies have not been reported for this variant. This variant has not been reported in individuals affected with RYR2-related disorders in the literature. This variant has been identified in 1/248710 chromosomes in the general population by the Genome Aggregation Database (gnomAD). The available evidence is insufficient to determine the role of this variant in disease conclusively. Therefore, this variant is classified as a Variant of Uncertain Significance.

All of Us Research Program, National Institutes of Health
Classification: Uncertain significance for Catecholaminergic polymorphic ventricular tachycardia. Last evaluated: 2023-06-15. Review status: criteria provided, single submitter. Criteria: ACMG Guidelines, 2015. Collection method: clinical testing. Allele origin: germline. Inheritance: Autosomal dominant inheritance. Observed: 2 variant alleles, 2 heterozygotes.
Comment: This missense variant replaces proline with arginine at codon 466 of the RYR2 protein. Computational prediction suggests that this variant may have deleterious impact on protein structure and function (internally defined REVEL score threshold >= 0.7, PMID: 27666373). To our knowledge, functional studies have not been reported for this variant. This variant has not been reported in individuals affected with cardiovascular disorders in the literature. This variant has been identified in 1/248710 chromosomes in the general population by the Genome Aggregation Database (gnomAD). The available evidence is insufficient to determine the role of this variant in disease conclusively. Therefore, this variant is classified as a Variant of Uncertain Significance.

This study involves interpretation of variants in research participants for the purpose of population health screening. Participant phenotype was not available at the time of variant classification. Additional details can be found in publication PMID: 35346344, PMCID: PMC8962531

Ambry Genetics
Classification: Uncertain significance for Cardiovascular phenotype. Last evaluated: 2021-09-08. Review status: criteria provided, single submitter. Criteria: Ambry Variant Classification Scheme 2023. Collection method: clinical testing. Allele origin: germline.
Comment: The p.P466R variant (also known as c.1397C>G), located in coding exon 15 of the RYR2 gene, results from a C to G substitution at nucleotide position 1397. The proline at codon 466 is replaced by arginine, an amino acid with dissimilar properties. This amino acid position is highly conserved in available vertebrate species. In addition, this alteration is predicted to be deleterious by in silico analysis. Since supporting evidence is limited at this time, the clinical significance of this alteration remains unclear.

Labcorp Genetics (formerly Invitae), Labcorp
Classification: Uncertain significance for Catecholaminergic polymorphic ventricular tachycardia 1. Last evaluated: 2017-08-22. Review status: criteria provided, single submitter. Criteria: Invitae Variant Classification Sherloc (09022015). Collection method: clinical testing. Allele origin: germline.
Comment: This sequence change replaces proline with arginine at codon 466 of the RYR2 protein (p.Pro466Arg). The proline residue is highly conserved and there is a moderate physicochemical difference between proline and arginine. This variant is not present in population databases (ExAC no frequency). This variant has not been reported in the literature in individuals with RYR2-related disease. Algorithms developed to predict the effect of missense changes on protein structure and function do not agree on the potential impact of this missense change (SIFT: "Deleterious"; PolyPhen-2: "Possibly Damaging"; Align-GVGD: "Class C0"). In summary, the available evidence is currently insufficient to determine the role of this variant in disease. Therefore, it has been classified as a Variant of Uncertain Significance. This variant occurs within one of the three regions of the RYR2 gene (N-terminal domain, central domain, or channel region) where other pathogenic variants have been reported to cluster (PMID: 19926015).

Literature cited by the submitters: PubMed 19926015 (cited by Labcorp Genetics (formerly Invitae), Labcorp).

NM_001035.3(RYR2):c.1397C>G (p.Pro466Arg)

Gene: RYR2 (ryanodine receptor 2; plus strand). Cytogenetic location: 1q43.
Variant type: single nucleotide variant.
Coding change: c.1397C>G on transcript NM_001035.3 (MANE Select); coding-DNA position 1397, C replaced by G.
Protein change: p.Pro466Arg; replaces proline 466 with arginine.
Molecular consequence: missense variant.
Genome position (GRCh38, 1-based): chr1:237,454,495, C>G. VCF-style: chr1-237454495-C-G. GRCh37 (hg19) VCF-style: chr1-237617795-C-G.
Other names: c.1397C>G, p.Pro466Arg (LRG_402t1); short protein forms P466R.
Identifiers: ClinVar variation 532365 (VCV000532365.14), dbSNP rs967199869, ClinGen allele CA345380429.